The following is an entry in ClinVar:

ClinVar aggregate classification (germline): Conflicting classifications of pathogenicity. Review status: criteria provided, conflicting classifications (1 of 4 stars). 3 submissions from 3 submitters: Uncertain significance (2); Benign (1). Last evaluated 2025-01-23.

Conditions:
Inborn genetic diseases. Identifiers: MedGen C0950123, MeSH D030342.
Hemochromatosis type 4 (HFE4). Also called: Ferroportin disease; HEMOCHROMATOSIS DUE TO DEFECT IN FERROPORTIN; HEMOCHROMATOSIS, AUTOSOMAL DOMINANT. Identifiers: Orphanet 139491, Orphanet 647834, Orphanet 648562, MedGen C1853733, MONDO:0011631, OMIM 606069.

Allele frequency attached by ClinVar (database versions not stated): gnomAD exomes 0.00002; ExAC 0.00002; TOPMed 0.00002.
gnomAD v4.1: 15 of 1,614,108 alleles (0.00093%); highest among the groups gnomAD compares: East Asian, 0.024%; no homozygotes.

Submissions (3):

Labcorp Genetics (formerly Invitae), Labcorp
Classification: Uncertain significance for Hemochromatosis type 4. Last evaluated: 2025-01-23. Review status: criteria provided, single submitter. Criteria: Invitae Variant Classification Sherloc (09022015). Collection method: clinical testing. Allele origin: germline.
Comment: This sequence change replaces methionine, which is neutral and non-polar, with valine, which is neutral and non-polar, at codon 216 of the SLC40A1 protein (p.Met216Val). This variant is present in population databases (rs757531583, gnomAD 0.02%). This variant has not been reported in the literature in individuals affected with SLC40A1-related conditions. ClinVar contains an entry for this variant (Variation ID: 895346). Invitae Evidence Modeling of protein sequence and biophysical properties (such as structural, functional, and spatial information, amino acid conservation, physicochemical variation, residue mobility, and thermodynamic stability) has been performed for this missense variant. However, the output from this modeling did not meet the statistical confidence thresholds required to predict the impact of this variant on SLC40A1 protein function. In summary, the available evidence is currently insufficient to determine the role of this variant in disease. Therefore, it has been classified as a Variant of Uncertain Significance.

Ambry Genetics
Classification: Uncertain significance for Inborn genetic diseases. Last evaluated: 2023-02-07. Review status: criteria provided, single submitter. Criteria: Ambry Variant Classification Scheme 2023. Collection method: clinical testing. Allele origin: germline.

Illumina Laboratory Services, Illumina
Classification: Benign for Hemochromatosis type 4. Last evaluated: 2017-04-27. Review status: criteria provided, single submitter. Criteria: ICSL Variant Classification Criteria 13 December 2019. Collection method: clinical testing. Allele origin: germline.
Comment: This variant was observed as part of a predisposition screen in an ostensibly healthy population. A literature search was performed for the gene, cDNA change, and amino acid change (where applicable). No publications were found based on this search. Allele frequency data from public databases was too high to be consistent with this variant causing disease. Therefore, this variant is classified as benign.

NM_014585.6(SLC40A1):c.646A>G (p.Met216Val)

Gene: SLC40A1 (solute carrier family 40 member 1; minus strand). Cytogenetic location: 2q32.2.
Variant type: single nucleotide variant.
Coding change: c.646A>G on transcript NM_014585.6 (MANE Select); coding-DNA position 646, A replaced by G.
Protein change: p.Met216Val; replaces methionine 216 with valine.
Molecular consequence: missense variant.
Genome position (GRCh38, 1-based): chr2:189,565,468, T>C on the plus strand (A>G on the coding strand, the complement: SLC40A1 is on the minus strand). VCF-style: chr2-189565468-T-C. GRCh37 (hg19) VCF-style: chr2-190430194-T-C.
Other names: short protein forms M216V.
Identifiers: ClinVar variation 895346 (VCV000895346.9), dbSNP rs757531583, ClinGen allele CA2024187.